The following is an entry in ClinVar:

ClinVar aggregate classification (germline): Uncertain significance. Review status: criteria provided, multiple submitters, no conflicts (2 of 4 stars). 2 submissions from 2 submitters: Uncertain significance (2). Last evaluated 2023-09-14.

Conditions:
Charcot-Marie-Tooth disease type 2. Also called: Charcot-Marie-Tooth type 2. Identifiers: Orphanet 64746, MedGen C0270914, MONDO:0018993.

Submissions (2):

Ambry Genetics
Classification: Uncertain significance. Last evaluated: 2023-09-14. Review status: criteria provided, single submitter. Criteria: Ambry Variant Classification Scheme 2023. Collection method: clinical testing. Allele origin: germline.
Comment: The p.S663N variant (also known as c.1988G>A), located in coding exon 20 of the KIF1B gene, results from a G to A substitution at nucleotide position 1988. The serine at codon 663 is replaced by asparagine, an amino acid with highly similar properties. This amino acid position is highly conserved in available vertebrate species. In addition, this alteration is predicted to be tolerated by in silico analysis. Since supporting evidence is limited at this time, the clinical significance of this alteration remains unclear.

Labcorp Genetics (formerly Invitae), Labcorp
Classification: Uncertain significance for Charcot-Marie-Tooth disease type 2. Last evaluated: 2023-03-22. Review status: criteria provided, single submitter. Criteria: Invitae Variant Classification Sherloc (09022015). Collection method: clinical testing. Allele origin: germline.
Comment: In summary, the available evidence is currently insufficient to determine the role of this variant in disease. Therefore, it has been classified as a Variant of Uncertain Significance. Advanced modeling of protein sequence and biophysical properties (such as structural, functional, and spatial information, amino acid conservation, physicochemical variation, residue mobility, and thermodynamic stability) performed at Invitae indicates that this missense variant is not expected to disrupt KIF1B protein function. ClinVar contains an entry for this variant (Variation ID: 1783901). This variant has not been reported in the literature in individuals affected with KIF1B-related conditions. This variant is not present in population databases (gnomAD no frequency). This sequence change replaces serine, which is neutral and polar, with asparagine, which is neutral and polar, at codon 663 of the KIF1B protein (p.Ser663Asn).

NM_001365951.3(KIF1B):c.2126G>A (p.Ser709Asn)

Gene: KIF1B (kinesin family member 1B; plus strand). Cytogenetic location: 1p36.22.
Variant type: single nucleotide variant.
Coding change: c.2126G>A on transcript NM_001365951.3 (MANE Select); coding-DNA position 2126, G replaced by A.
Protein change: p.Ser709Asn; replaces serine 709 with asparagine.
Molecular consequence: missense variant.
Genome position (GRCh38, 1-based): chr1:10,320,053, G>A. VCF-style: chr1-10320053-G-A. GRCh37 (hg19) VCF-style: chr1-10380111-G-A.
Other names: c.2126G>A, p.Ser709Asn (NM_001365952.1); c.1988G>A, p.Ser663Asn (NM_015074.3); short protein forms S709N, S663N.
Identifiers: ClinVar variation 1783901 (VCV001783901.8), dbSNP rs2521594188, ClinGen allele CA338332250.